The following is an entry in ClinVar:

NM_032119.4(ADGRV1):c.2735-20T>G

Gene: ADGRV1 (adhesion G protein-coupled receptor V1; plus strand). Cytogenetic location: 5q14.3.
Variant type: single nucleotide variant.
Coding change: c.2735-20T>G on transcript NM_032119.4 (MANE Select); 20 bases into the intron before coding-DNA position 2735, T replaced by G.
Molecular consequence: intron variant.
Genome position (GRCh38, 1-based): chr5:90,644,686, T>G. VCF-style: chr5-90644686-T-G. GRCh37 (hg19) VCF-style: chr5-89940503-T-G.
Identifiers: ClinVar variation 1489338 (VCV001489338.6), dbSNP rs2149435943, ClinGen allele CA2573140098.

ClinVar aggregate classification (germline): Uncertain significance (1 of 4 stars; one submission).

gnomAD v4.1: 1 of 1,589,768 alleles (0.000063%); highest among the groups gnomAD compares: Non-Finnish European, 0.000085%; no homozygotes.

Submission:

Labcorp Genetics (formerly Invitae), Labcorp
Classification: Uncertain significance. Last evaluated: 2022-07-06. Review status: criteria provided, single submitter. Criteria: Invitae Variant Classification Sherloc (09022015). Collection method: clinical testing. Allele origin: germline.
Comment: In summary, the available evidence is currently insufficient to determine the role of this variant in disease. Therefore, it has been classified as a Variant of Uncertain Significance. Algorithms developed to predict the effect of sequence changes on RNA splicing suggest that this variant may disrupt the consensus splice site. ClinVar contains an entry for this variant (Variation ID: 1489338). This variant has not been reported in the literature in individuals affected with ADGRV1-related conditions. This variant is not present in population databases (gnomAD no frequency). This sequence change falls in intron 14 of the ADGRV1 gene. It does not directly change the encoded amino acid sequence of the ADGRV1 protein.